The following is an entry in ClinVar:

NM_000260.4(MYO7A):c.696_699dup (p.Gln234Ter)

Gene: MYO7A (myosin VIIA; plus strand). Cytogenetic location: 11q13.5.
Variant type: Duplication.
Coding change: c.696_699dup on transcript NM_000260.4 (MANE Select); coding-DNA positions 696 to 699, 4 bases duplicated (TGAG; older notation c.696_699dupTGAG).
Protein change: p.Gln234Ter; replaces glutamine 234 with a stop codon.
Molecular consequence: nonsense.
Genome position (GRCh38, 1-based): chr11:77,156,965-77,156,968, TGAG duplicated. VCF-style (leftmost placement, unchanged base first): chr11-77156964-T-TTGAG. GRCh37 (hg19) VCF-style: chr11-76868010-T-TTGAG.
Other names: c.696_699dup, p.Gln234Ter (NM_001127180.2); c.663_666dup, p.Gln223Ter (NM_001369365.1); short protein forms Q234*, Q223*.
Identifiers: ClinVar variation 5004224 (VCV005004224.1).

ClinVar aggregate classification (germline): Pathogenic (1 of 4 stars; one submission).

Conditions:
Usher syndrome type 1 (USH1). Also called: RETINITIS PIGMENTOSA AND CONGENITAL DEAFNESS. Identifiers: Orphanet 231169, Orphanet 886, MedGen C1568247, MONDO:0010168, OMIM 276900.

Submission:

Myriad Genetics, Inc.
Classification: Pathogenic for Usher syndrome type 1. Last evaluated: 2025-10-16. Review status: criteria provided, single submitter. Criteria: Myriad Autosomal Dominant, Autosomal Recessive and X-Linked Classification Criteria (2023). Collection method: clinical testing. Allele origin: unknown.
Comment: NM_000260.3(MYO7A):c.696_699dupTGAG(Q234*) is a nonsense variant classified as pathogenic in the context of MYO7A-related disorders. Q234* has not been observed in cases with relevant disease. Relevant functional assessments of this variant are not available in the literature. Q234* has not been observed in referenced population frequency databases. In summary, NM_000260.3(MYO7A):c.696_699dupTGAG(Q234*) is a nonsense variant in a gene where loss of function is a known mechanism of disease and is predicted to disrupt protein function. Please note: this variant was assessed in the context of healthy population screening.